The following is an entry in ClinVar:

ClinVar aggregate classification (germline): Conflicting classifications of pathogenicity. Review status: no assertion criteria provided (0 of 4 stars). 2 submissions from 2 submitters: Pathogenic (1); Uncertain significance (1). Last evaluated 2020-02-28.

Conditions:
Fanconi anemia complementation group A (FANCA). Also called: FANCA-Related Fanconi Anemia; Fanconi anemia, group A. Identifiers: Orphanet 84, MedGen C3469521, MONDO:0009215, OMIM 227650.

Allele frequency attached by ClinVar (database versions not stated): gnomAD exomes below 0.00001.
gnomAD v4.1: 1 of 1,614,144 alleles (0.000062%); no homozygotes.

Submissions (2):

Leiden Open Variation Database
Classification: Pathogenic for Fanconi anemia complementation group A. Last evaluated: 2020-02-28. Review status: no assertion criteria provided. Collection method: curation. Allele origin: germline. Affected: yes.
Comment: Curator: Arleen D. Auerbach. Submitter to LOVD: Arleen D. Auerbach.

Counsyl
Classification: Uncertain significance for Fanconi anemia complementation group A. Last evaluated: 2017-10-16. Review status: no assertion criteria provided. Collection method: clinical testing. Allele origin: unknown.

Literature cited by the submitters: PubMed 09399890 (cited by Leiden Open Variation Database); PubMed 12444097 (cited by Leiden Open Variation Database and Counsyl); PubMed 28864460 (cited by Counsyl); PubMed 19139070 (cited by Counsyl); PubMed 9399890 (cited by Counsyl).

NM_000135.4(FANCA):c.4075G>T (p.Asp1359Tyr)

Genes: FANCA (FA complementation group A; minus strand), ZNF276 (zinc finger protein 276; plus strand). Cytogenetic location: 16q24.3.
Variant type: single nucleotide variant.
Coding change: c.4075G>T on transcript NM_000135.4 (MANE Select); coding-DNA position 4075, G replaced by T.
Protein change: p.Asp1359Tyr; replaces aspartic acid 1359 with tyrosine.
Molecular consequence: missense variant. On other transcripts: 3 prime UTR variant (2), non-coding transcript variant (4).
Genome position (GRCh38, 1-based): chr16:89,739,225, C>A on the plus strand (G>T on the coding strand, the complement: FANCA is on the minus strand). VCF-style: chr16-89739225-C-A. GRCh37 (hg19) VCF-style: chr16-89805633-C-A.
Other names: c.4075G>T, p.Asp1359Tyr (NM_001286167.3); c.*979C>A (NM_001113525.2, NM_152287.4); short protein forms D1359Y.
Identifiers: ClinVar variation 554319 (VCV000554319.4), dbSNP rs1555533313, ClinGen allele CA397484514.